The following is an entry in ClinVar:

ClinVar aggregate classification (germline): Uncertain significance. Review status: criteria provided, multiple submitters, no conflicts (2 of 4 stars). 2 submissions from 2 submitters: Uncertain significance (2). Last evaluated 2025-11-03.

Conditions:
Inborn genetic diseases. Identifiers: MedGen C0950123, MeSH D030342.

Allele frequency attached by ClinVar (database versions not stated): TOPMed below 0.00001; gnomAD exomes 0.00002.
gnomAD v4.1: 5 of 1,593,512 alleles (0.00031%); highest among the groups gnomAD compares: Admixed American, 0.0085%; no homozygotes.

Submissions (2):

Labcorp Genetics (formerly Invitae), Labcorp
Classification: Uncertain significance. Last evaluated: 2025-11-03. Review status: criteria provided, single submitter. Criteria: Invitae Variant Classification Sherloc (09022015). Collection method: clinical testing. Allele origin: germline.
Comment: This sequence change replaces aspartic acid, which is acidic and polar, with asparagine, which is neutral and polar, at codon 275 of the CACNA2D4 protein (p.Asp275Asn). This variant is present in population databases (no rsID available, gnomAD 0.01%). This variant has not been reported in the literature in individuals affected with CACNA2D4-related conditions. ClinVar contains an entry for this variant (Variation ID: 1496313). An algorithm developed to predict the effect of missense changes on protein structure and function (PolyPhen-2) suggests that this variant is likely to be disruptive. In summary, the available evidence is currently insufficient to determine the role of this variant in disease. Therefore, it has been classified as a Variant of Uncertain Significance.

Ambry Genetics
Classification: Uncertain significance for Inborn genetic diseases. Last evaluated: 2025-10-07. Review status: criteria provided, single submitter. Criteria: Ambry Variant Classification Scheme 2023. Collection method: clinical testing. Allele origin: germline.

NM_172364.5(CACNA2D4):c.823G>A (p.Asp275Asn)

Gene: CACNA2D4 (calcium voltage-gated channel auxiliary subunit alpha2delta 4; minus strand). Cytogenetic location: 12p13.33.
Variant type: single nucleotide variant.
Coding change: c.823G>A on transcript NM_172364.5 (MANE Select); coding-DNA position 823, G replaced by A.
Protein change: p.Asp275Asn; replaces aspartic acid 275 with asparagine.
Molecular consequence: missense variant.
Genome position (GRCh38, 1-based): chr12:1,887,028, C>T on the plus strand (G>A on the coding strand, the complement: CACNA2D4 is on the minus strand). VCF-style: chr12-1887028-C-T. GRCh37 (hg19) VCF-style: chr12-1996194-C-T.
Other names: c.823G>A (NM_172364.4); short protein forms D275N.
Identifiers: ClinVar variation 1496313 (VCV001496313.7), dbSNP rs1283007098, ClinGen allele CA383361403.